The following is an entry in ClinVar:

NM_001010874.5(TECRL):c.552-13dup

Gene: TECRL (trans-2,3-enoyl-CoA reductase like; minus strand). Cytogenetic location: 4q13.1.
Variant type: Duplication.
Coding change: c.552-13dup on transcript NM_001010874.5 (MANE Select); 13 bases into the intron before coding-DNA position 552, one base duplicated (T; older notation c.552-13dupT).
Molecular consequence: intron variant.
Genome position (GRCh38, 1-based): chr4:64,309,936, A duplicated on the plus strand (T on the coding strand, the reverse complement: TECRL is on the minus strand); the first of 9 consecutive A bases (chr4:64,309,936-64,309,944); duplicating any one gives the same sequence. VCF-style (leftmost placement, unchanged base first): chr4-64309935-G-GA. GRCh37 (hg19) VCF-style: chr4-65175653-G-GA.
Other names: p.?; c.552-5dupT (NM_001010874.5, NM_001010874.4); c.552-5dup (NM_001010874.5); c.552-13dup (NM_001363796.1).
Identifiers: ClinVar variation 710201 (VCV000710201.10), dbSNP rs577970051, ClinGen allele CA2935470.
Genomic context (GRCh38, chr4:64,309,935, plus strand): 5'-AATAAGGTTTCCAAAAGGTATCGGATGTAGTGTATACAATGACAGAAGCAAGCCAAGCTG[G>GA]AAAAAAAAATAAAACATAAACATGAAAATCCTTTTGAAGTTCTGGCTTGCCTCATGCATG-3'

ClinVar aggregate classification (germline): Benign. Review status: criteria provided, multiple submitters, no conflicts (2 of 4 stars). 8 submissions from 8 submitters: Benign (6). 2 of the submissions do not count toward it. Last evaluated 2025-07-10.

Conditions:
Catecholaminergic polymorphic ventricular tachycardia 3. Identifiers: Orphanet 3286, MedGen C3151463, MONDO:0013529, OMIM 614021.

Submissions (8):

ARUP Laboratories, Molecular Genetics and Genomics, ARUP Laboratories
Classification: Benign for Catecholaminergic polymorphic ventricular tachycardia 3. Last evaluated: 2025-07-10. Review status: criteria provided, single submitter. Criteria: ARUP Molecular Germline Variant Investigation Process 2024. Collection method: clinical testing. Allele origin: germline.

Molecular Diagnostic Laboratory for Inherited Cardiovascular Disease, Montreal Heart Institute
Classification: Benign. Last evaluated: 2025-04-09. Review status: criteria provided, single submitter. Criteria: ACMG Guidelines, 2015. Collection method: clinical testing. Allele origin: germline. Affected: no.
Comment: BS1

Mayo Clinic Laboratories, Mayo Clinic
Classification: Benign. Last evaluated: 2024-10-09. Review status: criteria provided, single submitter. Criteria: ACMG Guidelines, 2015. Collection method: clinical testing. Allele origin: germline. Observed: 2 variant alleles.
Comment: BS1, BS2, BP4

Women's Health and Genetics/Laboratory Corporation of America, LabCorp
Classification: Benign. Last evaluated: 2024-09-29. Review status: criteria provided, single submitter. Criteria: LabCorp Variant Classification Summary - May 2015. Collection method: clinical testing. Allele origin: germline.

GeneDx
Classification: Benign. Last evaluated: 2019-03-18. Review status: criteria provided, single submitter. Criteria: GeneDx Variant Classification Process June 2021. Collection method: clinical testing. Allele origin: germline. Affected: yes.

Labcorp Genetics (formerly Invitae), Labcorp
Classification: Benign. Last evaluated: 2017-11-21. Review status: criteria provided, single submitter. Criteria: Invitae Variant Classification Sherloc (09022015). Collection method: clinical testing. Allele origin: germline.

Clinical Genetics, Academic Medical Center
Classification: Benign. Review status: no assertion criteria provided. Collection method: clinical testing. Allele origin: germline. Affected: yes. Study: VKGL Data-share Consensus. Not counted in ClinVar's aggregate classification.

Genome Diagnostics Laboratory, University Medical Center Utrecht
Classification: Likely benign. Review status: no assertion criteria provided. Collection method: clinical testing. Allele origin: germline. Affected: yes. Study: VKGL Data-share Consensus. Not counted in ClinVar's aggregate classification.